The following is an entry in ClinVar:

ClinVar aggregate classification (germline): Pathogenic/Likely pathogenic. Review status: criteria provided, multiple submitters, no conflicts (2 of 4 stars). 6 submissions from 6 submitters: Pathogenic (4); Likely pathogenic (1). 1 of the submissions does not count toward it. Last evaluated 2024-12-19.

Conditions:
Sandhoff disease. Also called: Beta-hexosaminidase-beta-subunit deficiency; GM2 gangliosidosis, type 2; Total hexosaminidase deficiency; Sandhoff-Jatzkewitz-Pilz disease; GM2-GANGLIOSIDOSIS, TYPE II; HEXOSAMINIDASES A AND B DEFICIENCY. Identifiers: Orphanet 796, MedGen C0036161, MONDO:0010006, OMIM 268800.

Allele frequency attached by ClinVar (database versions not stated): gnomAD 0.00001; gnomAD exomes 0.00001 and 0.00002; TOPMed 0.00001; ExAC 0.00002.
gnomAD v4.1: 11 of 1,609,522 alleles (0.00068%); highest among the groups gnomAD compares: South Asian, 0.0044%; no homozygotes.

Submissions (6):

Genomic Medicine Center of Excellence, King Faisal Specialist Hospital and Research Centre
Classification: Pathogenic for Sandhoff disease. Last evaluated: 2024-12-19. Review status: criteria provided, single submitter. Criteria: ACMG Guidelines, 2015. Collection method: clinical testing. Allele origin: germline.

Fulgent Genetics
Classification: Pathogenic for Sandhoff disease. Last evaluated: 2024-04-05. Review status: criteria provided, single submitter. Criteria: ACMG Guidelines, 2015. Collection method: clinical testing. Allele origin: germline.

Labcorp Genetics (formerly Invitae), Labcorp
Classification: Pathogenic for Sandhoff disease. Last evaluated: 2024-02-25. Review status: criteria provided, single submitter. Criteria: Invitae Variant Classification Sherloc (09022015). Collection method: clinical testing. Allele origin: germline.
Comment: This sequence change creates a premature translational stop signal (p.Arg170*) in the HEXB gene. It is expected to result in an absent or disrupted protein product. Loss-of-function variants in HEXB are known to be pathogenic (PMID: 7550345, 18758829). This variant is present in population databases (rs753823903, gnomAD 0.006%). This premature translational stop signal has been observed in individual(s) with Sandhoff disease (PMID: 22789865). ClinVar contains an entry for this variant (Variation ID: 281002). For these reasons, this variant has been classified as Pathogenic.

Women's Health and Genetics/Laboratory Corporation of America, LabCorp
Classification: Likely pathogenic for Sandhoff disease. Last evaluated: 2021-08-02. Review status: criteria provided, single submitter. Criteria: LabCorp Variant Classification Summary - May 2015. Collection method: clinical testing. Allele origin: germline.
Comment: Variant summary: HEXB c.508C>T (p.Arg170X) results in a premature termination codon, predicted to cause a truncation of the encoded protein or absence of the protein due to nonsense mediated decay, which are commonly known mechanisms for disease. Truncations downstream of this position have been classified as pathogenic by our laboratory. The variant allele was found at a frequency of 1.6e-05 in 251576 control chromosomes (gnomAD and publication data). c.508C>T has been reported in the literature in one individual affected with Sandhoff Disease (Gort_2012). These data indicate that the variant is very likely to be associated with disease. To our knowledge, no experimental evidence demonstrating an impact on protein function has been reported. Three ClinVar submitters (evaluation after 2014) cite the variant as pathogenic (n=2) and likely pathogenic (n=1). Based on the evidence outlined above, the variant was classified as likely pathogenic.

Eurofins Ntd Llc (ga)
Classification: Pathogenic. Last evaluated: 2016-09-07. Review status: criteria provided, single submitter. Criteria: EGL Classification Definitions 2015. Collection method: clinical testing. Allele origin: germline. Observed: 1 variant allele, 1 heterozygote.

Counsyl
Classification: Likely pathogenic for Sandhoff disease. Last evaluated: 2017-09-19. Review status: no assertion criteria provided. Collection method: clinical testing. Allele origin: unknown. Not counted in ClinVar's aggregate classification.

Literature cited by the submitters: PubMed 7550345 (cited by Labcorp Genetics (formerly Invitae), Labcorp); PubMed 18758829 (cited by Labcorp Genetics (formerly Invitae), Labcorp); PubMed 22789865 (cited by 3 submitters); PubMed 29448188 (cited by Women's Health and Genetics/Laboratory Corporation of America, LabCorp); PubMed 31589614 (cited by Women's Health and Genetics/Laboratory Corporation of America, LabCorp).

NM_000521.4(HEXB):c.508C>T (p.Arg170Ter)

Gene: HEXB (hexosaminidase subunit beta; plus strand). Cytogenetic location: 5q13.3.
Variant type: single nucleotide variant.
Coding change: c.508C>T on transcript NM_000521.4 (MANE Select); coding-DNA position 508, C replaced by T.
Protein change: p.Arg170Ter; replaces arginine 170 with a stop codon.
Molecular consequence: nonsense. On other transcripts: 5 prime UTR variant (1).
Genome position (GRCh38, 1-based): chr5:74,693,701, C>T. VCF-style: chr5-74693701-C-T. GRCh37 (hg19) VCF-style: chr5-73989526-C-T.
Other names: c.-168C>T (NM_001292004.2); short protein forms R170*.
Identifiers: ClinVar variation 281002 (VCV000281002.19), dbSNP rs753823903, ClinGen allele CA3305850.
Genomic context (GRCh38, chr5:74,693,701, plus strand): 5'-ACTTTACTTGTGAAAGAACCAGTGGCTGTCCTTAAGGCCAACAGAGTTTGGGGAGCATTA[C>T]GAGGTAAGTTCCATGCAGTTTCATTGTTACTTTCCAGTAAAGGAAAATTTTCAGTTGGTG-3'